The following is an entry in ClinVar:

NM_000093.5(COL5A1):c.5136+76C>T

Genes: COL5A1 (collagen type V alpha 1 chain; plus strand), LOC101448202 (uncharacterized LOC101448202; minus strand). Cytogenetic location: 9q34.3.
Variant type: single nucleotide variant.
Coding change: c.5136+76C>T on transcript NM_000093.5 (MANE Select); 76 bases into the intron after coding-DNA position 5136, C replaced by T.
Molecular consequence: intron variant. On other transcripts: missense variant (1).
Genome position (GRCh38, 1-based): chr9:134,830,120, C>T. VCF-style: chr9-134830120-C-T. GRCh37 (hg19) VCF-style: chr9-137721966-C-T.
Other names: c.5080C>T, p.Arg1694Cys (NM_001278074.1); short protein forms R1694C.
Identifiers: ClinVar variation 4056061 (VCV004056061.1).
Genomic context (GRCh38, chr9:134,830,120, plus strand): 5'-GCGTCTTTGCGGTTGTCACTTTAAACCCGCCCATCTCGTATCTTACAGAGTAAAATGGCC[C>T]GCTGGCCCAAAGAGCAGCCTTCCACCTGGTATAGTCAGTACAAGCGGGGGTCCCTGGTAA-3'

ClinVar aggregate classification (germline): Uncertain significance (1 of 4 stars; one submission).

gnomAD v4.1: 34 of 1,612,608 alleles (0.0021%); highest among the groups gnomAD compares: Admixed American, 0.005%; no homozygotes.

Submission:

GeneDx
Classification: Uncertain significance. Last evaluated: 2025-01-07. Review status: criteria provided, single submitter. Criteria: GeneDx Variant Classification Process June 2021. Collection method: clinical testing. Allele origin: germline. Affected: yes.
Comment: In silico analysis supports that this missense variant has a deleterious effect on protein structure/function; Has not been previously published as pathogenic or benign to our knowledge; Not located in the triple helical region, where the majority of pathogenic missense variants occur (PMID: 22696272; HGMD); Reported using an alternate transcript of the gene; This variant is associated with the following publications: (PMID: 22696272)